The following is an entry in ClinVar:

NM_000780.4(CYP7A1):c.1347C>T (p.Phe449=)

Gene: CYP7A1 (cytochrome P450 family 7 subfamily A member 1; minus strand). Cytogenetic location: 8q12.1.
Variant type: single nucleotide variant.
Coding change: c.1347C>T on transcript NM_000780.4 (MANE Select); coding-DNA position 1347, C replaced by T.
Protein change: p.Phe449=; no amino-acid change (phenylalanine 449 retained).
Molecular consequence: synonymous variant.
Genome position (GRCh38, 1-based): chr8:58,491,643, G>A on the plus strand (C>T on the coding strand, the complement: CYP7A1 is on the minus strand). VCF-style: chr8-58491643-G-A. GRCh37 (hg19) VCF-style: chr8-59404202-G-A.
Identifiers: ClinVar variation 4977927 (VCV004977927.1).

ClinVar aggregate classification (germline): Likely benign (1 of 4 stars; one submission).

Conditions:
CYP7A1-related disorder. Also called: CYP7A1-related condition.

Submission:

PreventionGenetics, part of Exact Sciences
Classification: Likely benign for CYP7A1-related condition. Last evaluated: 2025-04-24. Review status: criteria provided, single submitter. Criteria: ACMG Guidelines, 2015. Collection method: clinical testing. Allele origin: germline.
Comment: This variant is classified as likely benign based on ACMG/AMP sequence variant interpretation guidelines (Richards et al. 2015 PMID: 25741868, with internal and published modifications).